The following is an entry in ClinVar:

ClinVar aggregate classification (germline): Uncertain significance. Review status: criteria provided, multiple submitters, no conflicts (2 of 4 stars). 2 submissions from 2 submitters: Uncertain significance (2). Last evaluated 2022-05-06.

Conditions:
Juvenile polyposis syndrome (JPS). Identifiers: Orphanet 2929, MedGen C0345893, MONDO:0017380, OMIM 174900.
Familial thoracic aortic aneurysm and aortic dissection (TAAD). Also called: Thoracic aortic aneurysms and dissections. Identifiers: Orphanet 91387, MedGen C4707243, MONDO:0019625.
Hereditary cancer-predisposing syndrome. Also called: Hereditary neoplastic syndrome; Neoplastic Syndromes, Hereditary; Tumor predisposition; Hereditary Cancer Syndrome. Identifiers: Orphanet 140162, MedGen C0027672, MeSH D009386, MONDO:0015356.

Submissions (2):

Labcorp Genetics (formerly Invitae), Labcorp
Classification: Uncertain significance for Juvenile polyposis syndrome. Last evaluated: 2022-05-06. Review status: criteria provided, single submitter. Criteria: Invitae Variant Classification Sherloc (09022015). Collection method: clinical testing. Allele origin: germline.
Comment: This sequence change replaces glutamine, which is neutral and polar, with glutamic acid, which is acidic and polar, at codon 183 of the SMAD4 protein (p.Gln183Glu). This variant is not present in population databases (gnomAD no frequency). In summary, the available evidence is currently insufficient to determine the role of this variant in disease. Therefore, it has been classified as a Variant of Uncertain Significance. Advanced modeling of protein sequence and biophysical properties (such as structural, functional, and spatial information, amino acid conservation, physicochemical variation, residue mobility, and thermodynamic stability) performed at Invitae indicates that this missense variant is not expected to disrupt SMAD4 protein function. ClinVar contains an entry for this variant (Variation ID: 484822). This variant has not been reported in the literature in individuals affected with SMAD4-related conditions.

Ambry Genetics
Classification: Uncertain significance for Hereditary cancer-predisposing syndrome; Familial thoracic aortic aneurysm and aortic dissection. Last evaluated: 2017-03-20. Review status: criteria provided, single submitter. Criteria: Ambry Variant Classification Scheme 2023. Collection method: clinical testing. Allele origin: germline.
Comment: The p.Q183E variant (also known as c.547C>G), located in coding exon 4 of the SMAD4 gene, results from a C to G substitution at nucleotide position 547. The glutamine at codon 183 is replaced by glutamic acid, an amino acid with highly similar properties. This amino acid position is highly conserved in available vertebrate species. In addition, this alteration is predicted to be deleterious by in silico analysis. Since supporting evidence is limited at this time, the clinical significance of this alteration remains unclear.

NM_005359.6(SMAD4):c.547C>G (p.Gln183Glu)

Gene: SMAD4 (SMAD family member 4; plus strand). Cytogenetic location: 18q21.2.
Variant type: single nucleotide variant.
Coding change: c.547C>G on transcript NM_005359.6 (MANE Select); coding-DNA position 547, C replaced by G.
Protein change: p.Gln183Glu; replaces glutamine 183 with glutamic acid.
Molecular consequence: missense variant.
Genome position (GRCh38, 1-based): chr18:51,054,873, C>G. VCF-style: chr18-51054873-C-G. GRCh37 (hg19) VCF-style: chr18-48581243-C-G.
Other names: short protein forms Q183E.
Identifiers: ClinVar variation 484822 (VCV000484822.10), dbSNP rs1555685645, ClinGen allele CA402460914.
Genomic context (GRCh38, chr18:51,054,873, plus strand): 5'-GTGCATGACTTTGAGGGACAGCCATCGTTGTCCACTGAAGGACATTCAATTCAAACCATC[C>G]AGCATCCACCAAGTAATCGTGCATCGACAGAGACATACAGCACCCCAGCTCTGTTAGCCC-3'
Protein context (NP_005350.1, residues 173-193): STEGHSIQTI[Gln183Glu]HPPSNRASTE